The following is an entry in ClinVar:

NM_000515.5(GH1):c.52C>G (p.Leu18Val)

Genes: GH-LCR (growth hormone locus control region; plus strand), GH1 (growth hormone 1; minus strand). Cytogenetic location: 17q23.3.
Variant type: single nucleotide variant.
Coding change: c.52C>G on transcript NM_000515.5 (MANE Select); coding-DNA position 52, C replaced by G.
Protein change: p.Leu18Val; replaces leucine 18 with valine.
Molecular consequence: missense variant.
Genome position (GRCh38, 1-based): chr17:63,918,465, G>C on the plus strand (C>G on the coding strand, the complement: GH1 is on the minus strand). VCF-style: chr17-63918465-G-C. GRCh37 (hg19) VCF-style: chr17-61995825-G-C.
Other names: c.52C>G, p.Leu18Val (NM_022559.4, NM_022560.4); short protein forms L18V.
Identifiers: ClinVar variation 2788053 (VCV002788053.3), dbSNP rs2509253015, ClinGen allele CA400613796.

ClinVar aggregate classification (germline): Uncertain significance (1 of 4 stars; one submission).

Allele frequency attached by ClinVar (database versions not stated): gnomAD exomes below 0.00001.

Submission:

Labcorp Genetics (formerly Invitae), Labcorp
Classification: Uncertain significance. Last evaluated: 2024-01-25. Review status: criteria provided, single submitter. Criteria: Invitae Variant Classification Sherloc (09022015). Collection method: clinical testing. Allele origin: germline.
Comment: This sequence change replaces leucine, which is neutral and non-polar, with valine, which is neutral and non-polar, at codon 18 of the GH1 protein (p.Leu18Val). This variant is not present in population databases (gnomAD no frequency). This variant has not been reported in the literature in individuals affected with GH1-related conditions. An algorithm developed to predict the effect of missense changes on protein structure and function (PolyPhen-2) suggests that this variant is likely to be disruptive. In summary, the available evidence is currently insufficient to determine the role of this variant in disease. Therefore, it has been classified as a Variant of Uncertain Significance.